The following is an entry in ClinVar:

ClinVar aggregate classification (germline): Benign. Review status: criteria provided, single submitter (1 of 4 stars). 2 submissions from 2 submitters: Benign (1). 1 of the submissions does not count toward it.

Allele frequency attached by ClinVar (database versions not stated): 1000 Genomes Project 0.01677; 1000 Genomes Project 30x 0.01733; TOPMed 0.02639; ESP Exome Variant Server 0.03036.
gnomAD v4.1: 55,937 of 1,612,764 alleles (3.5%); highest among the groups gnomAD compares: Middle Eastern, 4.2%; 1,150 homozygotes.

Submissions (2):

Breakthrough Genomics
Classification: Benign. Review status: criteria provided, single submitter. Criteria: ACMG Guidelines, 2015. Collection method: not provided. Allele origin: germline. Inheritance: Autosomal recessive inheritance. Affected: yes.

Genetic Services Laboratory, University of Chicago
Classification: Likely benign. Review status: no assertion criteria provided. Collection method: clinical testing. Allele origin: germline. Inheritance: Autosomal recessive inheritance. Not counted in ClinVar's aggregate classification.
Comment: Likely benign based on allele frequency in 1000 Genomes Project or ESP global frequency and its presence in a patient with a rare or unrelated disease phenotype. NOT Sanger confirmed

NM_024596.5(MCPH1):c.2452+49C>G

Genes: MCPH1 (microcephalin 1; plus strand), MCPH1-AS1 (MCPH1 antisense RNA 1; minus strand). Cytogenetic location: 8p23.1.
Variant type: single nucleotide variant.
Coding change: c.2452+49C>G on transcript NM_024596.5 (MANE Select); 49 bases into the intron after coding-DNA position 2452, C replaced by G.
Molecular consequence: intron variant.
Genome position (GRCh38, 1-based): chr8:6,621,740, C>G. VCF-style: chr8-6621740-C-G. GRCh37 (hg19) VCF-style: chr8-6479261-C-G.
Other names: c.2452+49C>G (NM_001322042.2, NM_001363979.1); c.2173+49C>G (NM_001363980.2).
Identifiers: ClinVar variation 158859 (VCV000158859.7), dbSNP rs41306051, ClinGen allele CA172533.